The following is an entry in ClinVar:

NM_001365276.2(TNXB):c.10508C>T (p.Thr3503Ile)

Gene: TNXB (tenascin XB; minus strand). Cytogenetic location: 6p21.33.
Variant type: single nucleotide variant.
Coding change: c.10508C>T on transcript NM_001365276.2 (MANE Select); coding-DNA position 10508, C replaced by T.
Protein change: p.Thr3503Ile; replaces threonine 3503 with isoleucine.
Molecular consequence: missense variant.
Genome position (GRCh38, 1-based): chr6:32,046,273, G>A on the plus strand (C>T on the coding strand, the complement: TNXB is on the minus strand). VCF-style: chr6-32046273-G-A. GRCh37 (hg19) VCF-style: chr6-32014050-G-A.
Other names: c.10502C>T, p.Thr3501Ile (NM_019105.8); short protein forms T3501I, T3503I.
Identifiers: ClinVar variation 1215401 (VCV001215401.3), dbSNP rs532375501, ClinGen allele CA363528456.

ClinVar aggregate classification (germline): Uncertain significance (1 of 4 stars; one submission).

Submission:

GeneDx
Classification: Uncertain significance. Last evaluated: 2019-03-07. Review status: criteria provided, single submitter. Criteria: GeneDx Variant Classification Process June 2021. Collection method: clinical testing. Allele origin: germline. Affected: yes.
Comment: Has not been previously published as pathogenic or benign to our knowledge; Not observed in large population cohorts (Lek et al., 2016); In silico analysis, which includes protein predictors and evolutionary conservation, supports a deleterious effect